The following is an entry in ClinVar:

NM_005051.3(QARS1):c.631+1G>A

Gene: QARS1 (glutaminyl-tRNA synthetase 1; minus strand). Cytogenetic location: 3p21.31.
Variant type: single nucleotide variant.
Coding change: c.631+1G>A on transcript NM_005051.3 (MANE Select); the canonical splice donor site of the intron after coding-DNA position 631, G replaced by A.
Molecular consequence: splice donor variant.
Genome position (GRCh38, 1-based): chr3:49,102,204, C>T on the plus strand (G>A on the coding strand, the complement: QARS1 is on the minus strand). VCF-style: chr3-49102204-C-T. GRCh37 (hg19) VCF-style: chr3-49139637-C-T.
Other names: c.598+1G>A (NM_001272073.2).
Identifiers: ClinVar variation 1348341 (VCV001348341.8), dbSNP rs1230015326, ClinGen allele CA352715978.

ClinVar aggregate classification (germline): Likely pathogenic (1 of 4 stars; one submission).

Conditions:
Diffuse cerebral and cerebellar atrophy - intractable seizures - progressive microcephaly syndrome. Also called: Microcephaly, progressive, with seizures and cerebral and cerebellar atrophy. Identifiers: Orphanet 404437, MedGen C4014239, MONDO:0014335, OMIM 615760.

Allele frequency attached by ClinVar (database versions not stated): gnomAD 0.00001.
gnomAD v4.1: 3 of 1,614,124 alleles (0.00019%); highest among the groups gnomAD compares: Non-Finnish European, 0.00017%; no homozygotes.

Submission:

Labcorp Genetics (formerly Invitae), Labcorp
Classification: Likely pathogenic for Diffuse cerebral and cerebellar atrophy - intractable seizures - progressive microcephaly syndrome. Last evaluated: 2021-03-08. Review status: criteria provided, single submitter. Criteria: Invitae Variant Classification Sherloc (09022015). Collection method: clinical testing. Allele origin: germline.
Comment: This sequence change affects a donor splice site in intron 7 of the QARS gene. It is expected to disrupt RNA splicing. Variants that disrupt the donor or acceptor splice site typically lead to a loss of protein function (PMID: 16199547), and loss-of-function variants in QARS are known to be pathogenic (PMID: 24656866, 25471517). This variant is not present in population databases (ExAC no frequency). This variant has not been reported in the literature in individuals with QARS-related conditions. Algorithms developed to predict the effect of sequence changes on RNA splicing suggest that this variant may disrupt the consensus splice site, but this prediction has not been confirmed by published transcriptional studies. In summary, the currently available evidence indicates that the variant is pathogenic, but additional data are needed to prove that conclusively. Therefore, this variant has been classified as Likely Pathogenic.

Literature cited by the submitters: PubMed 16199547; PubMed 24656866; PubMed 25471517.